The following is an entry in ClinVar:

NM_002880.4(RAF1):c.1880G>A (p.Arg627Gln)

Gene: RAF1 (Raf-1 proto-oncogene, serine/threonine kinase; minus strand). Cytogenetic location: 3p25.2.
Variant type: single nucleotide variant.
Coding change: c.1880G>A on transcript NM_002880.4 (MANE Select); coding-DNA position 1880, G replaced by A.
Protein change: p.Arg627Gln; replaces arginine 627 with glutamine.
Molecular consequence: missense variant. On other transcripts: non-coding transcript variant (3).
Genome position (GRCh38, 1-based): chr3:12,584,581, C>T on the plus strand (G>A on the coding strand, the complement: RAF1 is on the minus strand). VCF-style: chr3-12584581-C-T. GRCh37 (hg19) VCF-style: chr3-12626080-C-T.
Other names: p.R627Q:CGG>CAG; c.1940G>A, p.Arg647Gln (NM_001354689.3); c.1880G>A, p.Arg627Gln (NM_001354690.3); c.1637G>A, p.Arg546Gln (NM_001354691.3, NM_001354692.3); c.1781G>A, p.Arg594Gln (NM_001354693.3); c.1697G>A, p.Arg566Gln (NM_001354694.3); c.1538G>A, p.Arg513Gln (NM_001354695.3); short protein forms R627Q, R594Q, R513Q, R546Q, R566Q, R647Q.
Identifiers: ClinVar variation 181514 (VCV000181514.10), dbSNP rs730881006, ClinGen allele CA297139.

ClinVar aggregate classification (germline): Uncertain significance. Review status: criteria provided, multiple submitters, no conflicts (2 of 4 stars). 4 submissions from 4 submitters: Uncertain significance (4). Last evaluated 2024-04-25.

Conditions:
Dilated cardiomyopathy 1NN. Identifiers: Orphanet 154, MedGen C4014656, MONDO:0014396, OMIM 615916.
RASopathy. Also called: Noonan spectrum disorder; rasopathies. Identifiers: Orphanet 536391, MedGen C5555857, MONDO:0021060.

gnomAD v4.1: 5 of 1,614,088 alleles (0.00031%); highest among the groups gnomAD compares: South Asian, 0.0011%; no homozygotes.

Submissions (4):

Labcorp Genetics (formerly Invitae), Labcorp
Classification: Uncertain significance for RASopathy. Last evaluated: 2024-04-25. Review status: criteria provided, single submitter. Criteria: Invitae Variant Classification Sherloc (09022015). Collection method: clinical testing. Allele origin: germline.
Comment: This sequence change replaces arginine, which is basic and polar, with glutamine, which is neutral and polar, at codon 627 of the RAF1 protein (p.Arg627Gln). This variant is not present in population databases (gnomAD no frequency). This variant has not been reported in the literature in individuals affected with RAF1-related conditions. ClinVar contains an entry for this variant (Variation ID: 181514). Advanced modeling of protein sequence and biophysical properties (such as structural, functional, and spatial information, amino acid conservation, physicochemical variation, residue mobility, and thermodynamic stability) performed at Invitae indicates that this missense variant is expected to disrupt RAF1 protein function with a positive predictive value of 95%. In summary, the available evidence is currently insufficient to determine the role of this variant in disease. Therefore, it has been classified as a Variant of Uncertain Significance.

Institute of Human Genetics, University of Leipzig Medical Center
Classification: Uncertain significance for Dilated cardiomyopathy 1NN. Last evaluated: 2020-02-19. Review status: criteria provided, single submitter. Criteria: ACMG Guidelines, 2015. Collection method: clinical testing. Allele origin: germline. Affected: yes. Observed: 1 variant allele.

Blueprint Genetics
Classification: Uncertain significance. Last evaluated: 2018-10-26. Review status: criteria provided, single submitter. Criteria: ACMG Guidelines, 2015. Collection method: clinical testing. Allele origin: germline.

GeneDx
Classification: Uncertain significance. Last evaluated: 2018-01-08. Review status: criteria provided, single submitter. Criteria: GeneDx Variant Classification (06012015). Collection method: clinical testing. Allele origin: germline. Affected: yes.
Comment: The R627Q variant in the RAF1 gene has not been reported previously as a pathogenic variant, nor as a benign variant, to our knowledge. The R627Q variant is not observed in large population cohorts (Lek et al., 2016). The R627Q variant is a semi-conservative amino acid substitution, which may impact secondary protein structure as these residues differ in some properties. In-silico analyses, including protein predictors and evolutionary conservation, support a deleterious effect. We interpret R627Q as a variant of uncertain significance.